The following is an entry in ClinVar:

NM_000283.4(PDE6B):c.2363G>T (p.Arg788Leu)

Gene: PDE6B (phosphodiesterase 6B; plus strand). Cytogenetic location: 4p16.3.
Variant type: single nucleotide variant.
Coding change: c.2363G>T on transcript NM_000283.4 (MANE Select); coding-DNA position 2363, G replaced by T.
Protein change: p.Arg788Leu; replaces arginine 788 with leucine.
Molecular consequence: missense variant.
Genome position (GRCh38, 1-based): chr4:667,866, G>T. VCF-style: chr4-667866-G-T. GRCh37 (hg19) VCF-style: chr4-661655-G-T.
Other names: c.2363G>T, p.Arg788Leu (NM_001145291.2); c.1526G>T, p.Arg509Leu (NM_001145292.2, NM_001350154.3, NM_001379246.1 and 1 more transcripts); c.1208G>T, p.Arg403Leu (NM_001350155.3); short protein forms R509L, R788L, R403L.
Identifiers: ClinVar variation 2124772 (VCV002124772.4), dbSNP rs777999727, ClinGen allele CA355920403.

ClinVar aggregate classification (germline): Uncertain significance (1 of 4 stars; one submission).

Submission:

Labcorp Genetics (formerly Invitae), Labcorp
Classification: Uncertain significance. Last evaluated: 2022-04-11. Review status: criteria provided, single submitter. Criteria: Invitae Variant Classification Sherloc (09022015). Collection method: clinical testing. Allele origin: germline.
Comment: In summary, the available evidence is currently insufficient to determine the role of this variant in disease. Therefore, it has been classified as a Variant of Uncertain Significance. Algorithms developed to predict the effect of sequence changes on RNA splicing suggest that this variant may create or strengthen a splice site. Algorithms developed to predict the effect of missense changes on protein structure and function are either unavailable or do not agree on the potential impact of this missense change (SIFT: "Deleterious"; PolyPhen-2: "Benign"; Align-GVGD: "Class C0"). This variant has not been reported in the literature in individuals affected with PDE6B-related conditions. This variant is not present in population databases (gnomAD no frequency). This sequence change replaces arginine, which is basic and polar, with leucine, which is neutral and non-polar, at codon 788 of the PDE6B protein (p.Arg788Leu).